The following is an entry in ClinVar:

NM_004656.2:c.376_377delAG

Gene: BAP1 (BRCA1 associated deubiquitinase 1; minus strand).
Variant type: Deletion.
Identifiers: ClinVar variation 3260359 (VCV003260359.1).

ClinVar aggregate classification (germline): Pathogenic (1 of 4 stars; one submission).

Conditions:
Hereditary cancer-predisposing syndrome. Also called: Hereditary Cancer Syndrome; Tumor predisposition; Hereditary neoplastic syndrome; Neoplastic Syndromes, Hereditary. Identifiers: Orphanet 140162, MedGen C0027672, MeSH D009386, MONDO:0015356.

Submission:

Ambry Genetics
Classification: Pathogenic for Hereditary cancer-predisposing syndrome. Last evaluated: 2024-06-18. Review status: criteria provided, single submitter. Criteria: Ambry Variant Classification Scheme 2023. Collection method: clinical testing. Allele origin: germline.
Comment: The c.376_377delAG pathogenic mutation, located in coding exon 6 of the BAP1 gene, results from a deletion of two nucleotides at nucleotide positions 376 to 377, causing a translational frameshift with a predicted alternate stop codon (p.S126Qfs*16). This variant has been reported in multiple individuals with features consistent with BAP1-related tumor predisposition syndrome (Panou V et al. J Clin Oncol, 2018 Oct;36:2863-2871; Chau C et al. Cancers (Basel), 2019 Aug;11; Mitchell OD et al. JAMA Netw Open, 2023 Aug;6:e2327351; Abbassi YA et al. Fam Cancer, 2023 Apr;22:193-202). This variant is considered to be rare based on population cohorts in the Genome Aggregation Database (gnomAD). This alteration is expected to result in loss of function by premature protein truncation or nonsense-mediated mRNA decay. Based on the supporting evidence, this variant is interpreted as a disease-causing mutation. (Panou V et al. J Clin Oncol, 2018 Oct;36:2863-2871). This variant was reported in [an individual/multiple individuals] with features consistent with BAP1-related tumor predisposition syndrome (Chau C et al. Cancers (Basel), 2019 Aug;11:). (Mitchell OD et al. JAMA Netw Open, 2023 Aug;6:e2327351). (Abbassi YA et al. Fam Cancer, 2023 Apr;22:193-202).

Literature cited by the submitters: PubMed 30113886; PubMed 31382694; PubMed 35920959; PubMed 37556141.